The following is an entry in ClinVar:

NM_000038.6(APC):c.4317T>A (p.Pro1439=)

Gene: APC (APC regulator of Wnt signaling pathway; plus strand). Cytogenetic location: 5q22.2.
Variant type: single nucleotide variant.
Coding change: c.4317T>A on transcript NM_000038.6 (MANE Select); coding-DNA position 4317, T replaced by A.
Protein change: p.Pro1439=; no amino-acid change (proline 1439 retained).
Molecular consequence: synonymous variant.
Genome position (GRCh38, 1-based): chr5:112,839,911, T>A. VCF-style: chr5-112839911-T-A. GRCh37 (hg19) VCF-style: chr5-112175608-T-A.
Other names: c.4317T>A, p.Pro1439= (NM_001127510.3, NM_001354895.2); c.4263T>A, p.Pro1421= (NM_001127511.3); c.4371T>A, p.Pro1457= (NM_001354896.2); c.4347T>A, p.Pro1449= (NM_001354897.2); c.4242T>A, p.Pro1414= (NM_001354898.2); c.4233T>A, p.Pro1411= (NM_001354899.2); c.4194T>A, p.Pro1398= (NM_001354900.2); c.4140T>A, p.Pro1380= (NM_001354901.2); and 5 more.
Identifiers: ClinVar variation 384325 (VCV000384325.61), dbSNP rs769586752, ClinGen allele CA038601.
Genomic context (GRCh38, chr5:112,839,911, plus strand): 5'-CCCCAGTGATCTTCCAGATAGCCCTGGACAAACCATGCCACCAAGCAGAAGTAAAACACC[T>A]CCACCACCTCCTCAAACAGCTCAAACCAAGCGAGAAGTACCTAAAAATAAAGCACCTACT-3'
Protein context (NP_000029.2, residues 1429-1449): QTMPPSRSKT[Pro1439=]PPPPQTAQTK

ClinVar aggregate classification (germline): Benign/Likely benign. Review status: criteria provided, multiple submitters, no conflicts (2 of 4 stars). 10 submissions from 10 submitters: Benign (1); Likely benign (9). Last evaluated 2026-01-04.

Conditions:
Hereditary cancer-predisposing syndrome. Also called: Neoplastic Syndromes, Hereditary; Hereditary neoplastic syndrome; Tumor predisposition; Hereditary Cancer Syndrome. Identifiers: Orphanet 140162, MedGen C0027672, MeSH D009386, MONDO:0015356.
Familial adenomatous polyposis 1 (FAP1). Also called: POLYPOSIS, ADENOMATOUS INTESTINAL; FAMILIAL ADENOMATOUS POLYPOSIS 1, ATTENUATED. Identifiers: MedGen C2713442, MONDO:0021056, OMIM 175100. Disease mechanism: loss of function.
Classic or attenuated familial adenomatous polyposis. Identifiers: MedGen CN372698, MONDO:0021057.
Desmoid disease, hereditary (DESMD). Also called: FIBROMATOSIS, FAMILIAL INFILTRATIVE. Identifiers: Orphanet 873, MedGen C1851124, OMIM 135290. Disease mechanism: loss of function.

Allele frequency attached by ClinVar (database versions not stated): gnomAD exomes below 0.00001; ExAC 0.00001; TOPMed 0.00001.
gnomAD v4.1: 6 of 1,613,902 alleles (0.00037%); highest among the groups gnomAD compares: Middle Eastern, 0.017%; no homozygotes.

Submissions (10):

Labcorp Genetics (formerly Invitae), Labcorp
Classification: Likely benign for Familial adenomatous polyposis 1. Last evaluated: 2026-01-04. Review status: criteria provided, single submitter. Criteria: Invitae Variant Classification Sherloc (09022015). Collection method: clinical testing. Allele origin: germline.

Myriad Genetics, Inc.
Classification: Benign for Familial adenomatous polyposis 1. Last evaluated: 2024-03-26. Review status: criteria provided, single submitter. Criteria: Myriad Autosomal Dominant, Autosomal Recessive and X-Linked Classification Criteria (2023). Collection method: clinical testing. Allele origin: unknown.
Comment: This variant is considered benign. This variant is a silent/synonymous amino acid change and it is not expected to impact splicing.

All of Us Research Program, National Institutes of Health
Classification: Likely benign for Classic or attenuated familial adenomatous polyposis. Last evaluated: 2023-12-13. Review status: criteria provided, single submitter. Criteria: ACMG Guidelines, 2015. Collection method: clinical testing. Allele origin: germline. Inheritance: Autosomal dominant inheritance. Observed: 5 variant alleles, 5 heterozygotes.
Comment: This study involves interpretation of variants in research participants for the purpose of population health screening. Participant phenotype was not available at the time of variant classification. Additional details can be found in publication PMID: 35346344, PMCID: PMC8962531

Women's Health and Genetics/Laboratory Corporation of America, LabCorp
Classification: Likely benign. Last evaluated: 2023-03-14. Review status: criteria provided, single submitter. Criteria: LabCorp Variant Classification Summary - May 2015. Collection method: clinical testing. Allele origin: germline.

Department of Pathology and Laboratory Medicine, Sinai Health System
Classification: Likely benign for Familial adenomatous polyposis 1; Desmoid disease, hereditary. Last evaluated: 2021-07-08. Review status: criteria provided, single submitter. Criteria: ACMG Guidelines, 2015. Collection method: clinical testing. Allele origin: germline. Affected: yes.

Quest Diagnostics Nichols Institute San Juan Capistrano
Classification: Likely benign. Last evaluated: 2020-04-22. Review status: criteria provided, single submitter. Criteria: Quest Diagnostics criteria. Collection method: clinical testing. Allele origin: unknown.

GeneDx
Classification: Likely benign. Last evaluated: 2020-03-11. Review status: criteria provided, single submitter. Criteria: GeneDx Variant Classification Process June 2021. Collection method: clinical testing. Allele origin: germline. Affected: yes.

CeGaT Center for Human Genetics Tuebingen
Classification: Likely benign. Last evaluated: 2020-02-01. Review status: criteria provided, single submitter. Criteria: CeGaT Center For Human Genetics Tuebingen Variant Classification Criteria Version 2. Collection method: clinical testing. Allele origin: germline. Affected: yes. Observed: 2 variant alleles.

Color Diagnostics, LLC DBA Color Health
Classification: Likely benign for Hereditary cancer-predisposing syndrome. Last evaluated: 2017-07-13. Review status: criteria provided, single submitter. Criteria: ACMG Guidelines, 2015. Collection method: clinical testing. Allele origin: germline.

Ambry Genetics
Classification: Likely benign for Hereditary cancer-predisposing syndrome. Last evaluated: 2017-01-10. Review status: criteria provided, single submitter. Criteria: Ambry Variant Classification Scheme 2023. Collection method: clinical testing. Allele origin: germline.